The following is an entry in ClinVar:

ClinVar aggregate classification (germline): Uncertain significance. Review status: criteria provided, multiple submitters, no conflicts (2 of 4 stars). 3 submissions from 3 submitters: Uncertain significance (3). Last evaluated 2026-01-21.

Conditions:
Inborn genetic diseases. Identifiers: MedGen C0950123, MeSH D030342.
Neonatal diabetes mellitus with congenital hypothyroidism. Also called: NDH SYNDROME. Identifiers: Orphanet 79118, MedGen C1857775, MONDO:0012436, OMIM 610199.

gnomAD v4.1: 55 of 1,614,230 alleles (0.0034%); highest among the groups gnomAD compares: African/African-American, 0.06%; no homozygotes.

Submissions (3):

Labcorp Genetics (formerly Invitae), Labcorp
Classification: Uncertain significance. Last evaluated: 2026-01-21. Review status: criteria provided, single submitter. Criteria: Invitae Variant Classification Sherloc (09022015). Collection method: clinical testing. Allele origin: germline.
Comment: This sequence change replaces tyrosine, which is neutral and polar, with cysteine, which is neutral and slightly polar, at codon 653 of the GLIS3 protein (p.Tyr653Cys). This variant is present in population databases (rs141417434, gnomAD 0.05%). This variant has not been reported in the literature in individuals affected with GLIS3-related conditions. ClinVar contains an entry for this variant (Variation ID: 3597367). An algorithm developed to predict the effect of missense changes on protein structure and function (PolyPhen-2) suggests that this variant is likely to be disruptive. In summary, the available evidence is currently insufficient to determine the role of this variant in disease. Therefore, it has been classified as a Variant of Uncertain Significance.

Ambry Genetics
Classification: Uncertain significance for Inborn genetic diseases. Last evaluated: 2025-06-18. Review status: criteria provided, single submitter. Criteria: Ambry Variant Classification Scheme 2023. Collection method: clinical testing. Allele origin: germline.

Fulgent Genetics
Classification: Uncertain significance for Neonatal diabetes mellitus with congenital hypothyroidism. Last evaluated: 2024-05-13. Review status: criteria provided, single submitter. Criteria: ACMG Guidelines, 2015. Collection method: clinical testing. Allele origin: germline.

NM_001042413.2(GLIS3):c.2423A>G (p.Tyr808Cys)

Gene: GLIS3 (GLIS family zinc finger 3; minus strand). Cytogenetic location: 9p24.2.
Variant type: single nucleotide variant.
Coding change: c.2423A>G on transcript NM_001042413.2 (MANE Select); coding-DNA position 2423, A replaced by G.
Protein change: p.Tyr808Cys; replaces tyrosine 808 with cysteine.
Molecular consequence: missense variant.
Genome position (GRCh38, 1-based): chr9:3,856,059, T>C on the plus strand (A>G on the coding strand, the complement: GLIS3 is on the minus strand). VCF-style: chr9-3856059-T-C. GRCh37 (hg19) VCF-style: chr9-3856059-T-C.
Other names: c.1958A>G (NM_152629.3); c.1958A>G, p.Tyr653Cys (NM_152629.4); short protein forms Y808C, Y653C.
Identifiers: ClinVar variation 3597367 (VCV003597367.3).